The following is an entry in ClinVar:

NM_024675.4(PALB2):c.1865T>C (p.Leu622Pro)

Gene: PALB2 (partner and localizer of BRCA2; minus strand). Cytogenetic location: 16p12.2.
Variant type: single nucleotide variant.
Coding change: c.1865T>C on transcript NM_024675.4 (MANE Select); coding-DNA position 1865, T replaced by C.
Protein change: p.Leu622Pro; replaces leucine 622 with proline.
Molecular consequence: missense variant.
Genome position (GRCh38, 1-based): chr16:23,630,289, A>G on the plus strand (T>C on the coding strand, the complement: PALB2 is on the minus strand). VCF-style: chr16-23630289-A-G. GRCh37 (hg19) VCF-style: chr16-23641610-A-G.
Other names: short protein forms L622P.
Identifiers: ClinVar variation 1025812 (VCV001025812.18), dbSNP rs753012991, ClinGen allele CA7963653.

ClinVar aggregate classification (germline): Uncertain significance. Review status: criteria provided, multiple submitters, no conflicts (2 of 4 stars). 4 submissions from 4 submitters: Uncertain significance (4). Last evaluated 2025-10-25.

Conditions:
Hereditary cancer-predisposing syndrome. Also called: Neoplastic Syndromes, Hereditary; Tumor predisposition; Hereditary Cancer Syndrome; Hereditary neoplastic syndrome. Identifiers: Orphanet 140162, MedGen C0027672, MeSH D009386, MONDO:0015356.
Familial cancer of breast. Also called: Hereditary breast cancer; hereditary breast carcinoma; BREAST CANCER, FAMILIAL. Identifiers: Orphanet 227535, MedGen C0346153, MONDO:0016419, OMIM 114480. Disease mechanism: loss of function.

Allele frequency attached by ClinVar (database versions not stated): gnomAD exomes 0.00001 and 0.00002; ExAC 0.00004.
gnomAD v4.1: 7 of 1,614,212 alleles (0.00043%); highest among the groups gnomAD compares: Non-Finnish European, 0.00059%; no homozygotes.

Submissions (4):

Labcorp Genetics (formerly Invitae), Labcorp
Classification: Uncertain significance for Familial cancer of breast. Last evaluated: 2025-10-25. Review status: criteria provided, single submitter. Criteria: Invitae Variant Classification Sherloc (09022015). Collection method: clinical testing. Allele origin: germline.
Comment: This sequence change replaces leucine, which is neutral and non-polar, with proline, which is neutral and non-polar, at codon 622 of the PALB2 protein (p.Leu622Pro). This variant is present in population databases (rs753012991, gnomAD 0.004%). This variant has not been reported in the literature in individuals affected with PALB2-related conditions. ClinVar contains an entry for this variant (Variation ID: 1025812). Invitae Evidence Modeling of protein sequence and biophysical properties (such as structural, functional, and spatial information, amino acid conservation, physicochemical variation, residue mobility, and thermodynamic stability) indicates that this missense variant is expected to disrupt PALB2 protein function with a positive predictive value of 80%. Experimental studies are conflicting or provide insufficient evidence to determine the effect of this variant on PALB2 function (PMID: 31757951). In summary, the available evidence is currently insufficient to determine the role of this variant in disease. Therefore, it has been classified as a Variant of Uncertain Significance.

Ambry Genetics
Classification: Uncertain significance for Hereditary cancer-predisposing syndrome. Last evaluated: 2024-04-17. Review status: criteria provided, single submitter. Criteria: Ambry Variant Classification Scheme 2023. Collection method: clinical testing. Allele origin: germline.
Comment: The p.L622P variant (also known as c.1865T>C), located in coding exon 5 of the PALB2 gene, results from a T to C substitution at nucleotide position 1865. The leucine at codon 622 is replaced by proline, an amino acid with similar properties. In one functional study, this variant did not significantly impair homologous recombination efficiency compared to wild-type, and was classified as a variant of uncertain significance by the authors (Boonen RACM et al. Nat Commun, 2019 11;10:5296). This amino acid position is highly conserved in available vertebrate species. In addition, the in silico prediction for this alteration is inconclusive. Since supporting evidence is limited at this time, the clinical significance of this alteration remains unclear.

Baylor Genetics
Classification: Uncertain significance for Familial cancer of breast. Last evaluated: 2023-10-10. Review status: criteria provided, single submitter. Criteria: ACMG Guidelines, 2015. Collection method: clinical testing. Allele origin: unknown.

Color Diagnostics, LLC DBA Color Health
Classification: Uncertain significance for Hereditary cancer-predisposing syndrome. Last evaluated: 2022-05-17. Review status: criteria provided, single submitter. Criteria: ACMG Guidelines, 2015. Collection method: clinical testing. Allele origin: germline.
Comment: This missense variant replaces leucine with proline at codon 622 of the PALB2 protein. Computational prediction suggests that this variant may not impact protein structure and function (internally defined REVEL score threshold <= 0.5, PMID: 27666373). A functional study has shown that the variant protein retained ~80% of normal PALB2 protein activity to rescue the DNA repair and checkpoint defects in PALB2 knockout mouse embryonic stem cells (PMID: 31757951). This variant has been detected in a breast cancer case-control meta-analysis in 1/60466 cases and 1/53461 unaffected individuals (PMID: 33471991; Leiden Open Variation Database DB-ID PALB2_010704). This variant has been identified in 5/251296 chromosomes in the general population by the Genome Aggregation Database (gnomAD). The available evidence is insufficient to determine the role of this variant in disease conclusively. Therefore, this variant is classified as a Variant of Uncertain Significance.

Literature cited by the submitters: PubMed 31757951 (cited by 3 submitters); PubMed 33471991 (cited by Color Diagnostics, LLC DBA Color Health).